The following is an entry in ClinVar:

ClinVar aggregate classification (germline): Benign/Likely benign. Review status: criteria provided, multiple submitters, no conflicts (2 of 4 stars). 3 submissions from 2 submitters: Benign (2); Likely benign (1). Last evaluated 2021-05-26.

Conditions:
Susceptibility to mononeuropathy of the median nerve, mild. Also called: CARPAL TUNNEL SYNDROME, SUSCEPTIBILITY TO. Identifiers: MedGen C3150596, MONDO:0013237, OMIM 613353.
Charcot-Marie-Tooth disease type 4C (CMT4C). Also called: CHARCOT-MARIE-TOOTH DISEASE, DEMYELINATING, TYPE 4C; SH3TC2-Related Hereditary Motor and Sensory Neuropathy; Charcot-Marie-Tooth Neuropathy Type 4C (CMT4C); CHARCOT-MARIE-TOOTH DISEASE, DEMYELINATING, AUTOSOMAL RECESSIVE, TYPE 4C; CMT 4C. Identifiers: Orphanet 99949, MedGen C1866636, MONDO:0011113, OMIM 601596.

Allele frequency attached by ClinVar (database versions not stated): 1000 Genomes Project 0.00779; gnomAD 0.00819 and 0.00876; 1000 Genomes Project 30x 0.00859; TOPMed 0.00880.
gnomAD v4.1: 1,244 of 152,288 alleles (0.82%); highest among the groups gnomAD compares: African/African-American, 2.6%; 14 homozygotes.

Submissions (3):

GeneDx
Classification: Likely benign. Last evaluated: 2021-05-26. Review status: criteria provided, single submitter. Criteria: GeneDx Variant Classification Process June 2021. Collection method: clinical testing. Allele origin: germline. Affected: yes.

Illumina Laboratory Services, Illumina
Classification: Benign for Susceptibility to mononeuropathy of the median nerve, mild. Last evaluated: 2018-01-12. Review status: criteria provided, single submitter. Criteria: ICSL Variant Classification Criteria 13 December 2019. Collection method: clinical testing. Allele origin: germline.
Comment: This variant was observed in the ICSL laboratory as part of a predisposition screen in an ostensibly healthy population. It had not been previously curated by ICSL or reported in the Human Gene Mutation Database (HGMD: prior to June 1st, 2018), and was therefore a candidate for classification through an automated scoring system. Utilizing variant allele frequency, disease prevalence and penetrance estimates, and inheritance mode, an automated score was calculated to assess if this variant is too frequent to cause the disease. Based on the score and internal cut-off values, a variant classified as benign is not then subjected to further curation. The score for this variant resulted in a classification of benign for this disease.

Illumina Laboratory Services, Illumina
Classification: Benign for Charcot-Marie-Tooth disease type 4C. Last evaluated: 2018-01-12. Review status: criteria provided, single submitter. Criteria: ICSL Variant Classification Criteria 13 December 2019. Collection method: clinical testing. Allele origin: germline.
Comment: the same text as in the submission from Illumina Laboratory Services, Illumina above.

NM_024577.4(SH3TC2):c.*11604G>A

Gene: SH3TC2 (SH3 domain and tetratricopeptide repeats 2; minus strand). Cytogenetic location: 5q32.
Variant type: single nucleotide variant.
Coding change: c.*11604G>A on transcript NM_024577.4 (MANE Select); 11604 bases downstream of the stop codon, G replaced by A.
Molecular consequence: 3 prime UTR variant.
Genome position (GRCh38, 1-based): chr5:148,993,107, C>T on the plus strand (G>A on the coding strand, the complement: SH3TC2 is on the minus strand). VCF-style: chr5-148993107-C-T. GRCh37 (hg19) VCF-style: chr5-148372670-C-T.
Identifiers: ClinVar variation 906372 (VCV000906372.5), dbSNP rs143229015, ClinGen allele CA128988399.
Genomic context (GRCh38, chr5:148,993,107, plus strand): 5'-GTCTGGGCTGCCTTTACCTGGCCTCACTCCTGGCTTCCATAGACGCTTAAGGTGATTAGG[C>T]ATTTGTCCCTCACCGTTTCGATTGAAATAATCAGTTCAAAATAAAACTGACAACAGCTAA-3'